The following is an entry in ClinVar:

NM_000138.5(FBN1):c.3457dup (p.Cys1153fs)

Gene: FBN1 (fibrillin 1; minus strand). Cytogenetic location: 15q21.1.
Variant type: Duplication.
Coding change: c.3457dup on transcript NM_000138.5 (MANE Select); coding-DNA position 3457, one base duplicated (T; older notation c.3457dupT).
Protein change: p.Cys1153fs; shifts the reading frame from cysteine 1153.
Molecular consequence: frameshift variant.
Genome position (GRCh38, 1-based): chr15:48,487,318, A duplicated on the plus strand (T on the coding strand, the reverse complement: FBN1 is on the minus strand). VCF-style (leftmost placement, unchanged base first): chr15-48487317-C-CA. GRCh37 (hg19) VCF-style: chr15-48779514-C-CA.
Other names: c.3457dupT (NM_000138.4); c.3457dup, p.Cys1153fs (NM_001406716.1); short protein forms C1153fs.
Identifiers: ClinVar variation 3849179 (VCV003849179.1).
Genomic context (GRCh38, chr15:48,487,317, plus strand): 5'-GATGTCATTCAAACAACTGACCACAAGTAAATGGTGTGAAAGTCTTTCTCCTTACCGATA[C>CA]ACGCGGAGATGTTGGGGGACAGCTGATGGCCAGGCGGGCATTCACAGCGGTAACTTCCCT-3'

ClinVar aggregate classification (germline): Pathogenic (1 of 4 stars; one submission).

Conditions:
Familial thoracic aortic aneurysm and aortic dissection (TAAD). Also called: Thoracic aortic aneurysms and dissections. Identifiers: Orphanet 91387, MedGen C4707243, MONDO:0019625.

Submission:

Ambry Genetics
Classification: Pathogenic for Familial thoracic aortic aneurysm and aortic dissection. Last evaluated: 2025-02-21. Review status: criteria provided, single submitter. Criteria: Ambry Variant Classification Scheme 2023. Collection method: clinical testing. Allele origin: germline.
Comment: The c.3457dupT pathogenic mutation, located in coding exon 27 of the FBN1 gene, results from a duplication of T at nucleotide position 3457, causing a translational frameshift with a predicted alternate stop codon (p.C1153Lfs*6). This variant is considered to be rare based on population cohorts in the Genome Aggregation Database (gnomAD). This alteration is expected to result in loss of function by premature protein truncation or nonsense-mediated mRNA decay. As such, this alteration is interpreted as a disease-causing mutation.